The following is an entry in ClinVar:

ClinVar aggregate classification (germline): Uncertain significance. Review status: criteria provided, multiple submitters, no conflicts (2 of 4 stars). 2 submissions from 2 submitters: Uncertain significance (2). Last evaluated 2024-03-06.

Conditions:
Malignant hyperthermia, susceptibility to, 1 (MHS1). Also called: Anesthesia related hyperthermia; Malignant hyperpyrexia; Fulminating hyperpyrexia; Pharmacogenic myopathy; RYR1-Related Malignant Hyperthermia Susceptibility; Malignant hyperthermia suceptibility 1. Identifiers: Orphanet 423, MedGen C2930980, MONDO:0007783, OMIM 145600.

Allele frequency attached by ClinVar (database versions not stated): ExAC 0.00001; gnomAD 0.00001; 1000 Genomes Project 30x 0.00016; 1000 Genomes Project 0.00020.
gnomAD v4.1: 10 of 1,612,722 alleles (0.00062%); highest among the groups gnomAD compares: Non-Finnish European, 0.00085%; no homozygotes.

Submissions (2):

Color Diagnostics, LLC DBA Color Health
Classification: Uncertain significance for Malignant hyperthermia, susceptibility to, 1. Last evaluated: 2024-03-06. Review status: criteria provided, single submitter. Criteria: ACMG Guidelines, 2015. Collection method: clinical testing. Allele origin: germline.
Comment: This missense variant replaces aspartic acid with glutamic acid at codon 1809 of the RYR1 protein. Computational prediction suggests that this variant may not impact protein structure and function. To our knowledge, functional studies have not been reported for this variant. This variant has not been reported in individuals affected with RYR1-related disorders in the literature. This variant has been identified in 2/240412 chromosomes in the general population by the Genome Aggregation Database (gnomAD). The available evidence is insufficient to determine the role of this variant in disease conclusively. Therefore, this variant is classified as a Variant of Uncertain Significance.

All of Us Research Program, National Institutes of Health
Classification: Uncertain significance for Malignant hyperthermia, susceptibility to, 1. Last evaluated: 2023-05-04. Review status: criteria provided, single submitter. Criteria: ACMG Guidelines, 2015. Collection method: clinical testing. Allele origin: germline. Inheritance: Autosomal dominant inheritance. Observed: 1 variant allele, 1 heterozygote.
Comment: This missense variant replaces aspartic acid with glutamic acid at codon 1809 of the RYR1 protein. Computational prediction suggests that this variant may not impact protein structure and function (internally defined REVEL score threshold <= 0.5, PMID: 27666373). To our knowledge, functional studies have not been reported for this variant. This variant has not been reported in individuals affected with RYR1-related disorders in the literature. This variant has been identified in 2/240412 chromosomes in the general population by the Genome Aggregation Database (gnomAD). The available evidence is insufficient to determine the role of this variant in disease conclusively. Therefore, this variant is classified as a Variant of Uncertain Significance.

This study involves interpretation of variants in research participants for the purpose of population health screening. Participant phenotype was not available at the time of variant classification. Additional details can be found in publication PMID: 35346344, PMCID: PMC8962531

NM_000540.3(RYR1):c.5427C>G (p.Asp1809Glu)

Gene: RYR1 (ryanodine receptor 1; plus strand). Cytogenetic location: 19q13.2.
Variant type: single nucleotide variant.
Coding change: c.5427C>G on transcript NM_000540.3 (MANE Select); coding-DNA position 5427, C replaced by G.
Protein change: p.Asp1809Glu; replaces aspartic acid 1809 with glutamic acid.
Molecular consequence: missense variant.
Genome position (GRCh38, 1-based): chr19:38,486,082, C>G. VCF-style: chr19-38486082-C-G. GRCh37 (hg19) VCF-style: chr19-38976722-C-G.
Other names: c.5427C>G, p.Asp1809Glu (NM_001042723.2); short protein forms D1809E.
Identifiers: ClinVar variation 3070663 (VCV003070663.2), dbSNP rs201086478, ClinGen allele CA067088.